The following is an entry in ClinVar:

NM_000046.5(ARSB):c.478C>T (p.Arg160Ter)

Gene: ARSB (arylsulfatase B; minus strand). Cytogenetic location: 5q14.1.
Variant type: single nucleotide variant.
Coding change: c.478C>T on transcript NM_000046.5 (MANE Select); coding-DNA position 478, C replaced by T.
Protein change: p.Arg160Ter; replaces arginine 160 with a stop codon.
Molecular consequence: nonsense.
Genome position (GRCh38, 1-based): chr5:78,969,027, G>A on the plus strand (C>T on the coding strand, the complement: ARSB is on the minus strand). VCF-style: chr5-78969027-G-A. GRCh37 (hg19) VCF-style: chr5-78264850-G-A.
Other names: c.478C>T, p.Arg160Ter (NM_198709.3); short protein forms R160*.
Identifiers: ClinVar variation 445291 (VCV000445291.17), dbSNP rs1255777033, ClinGen allele CA360193894.

ClinVar aggregate classification (germline): Pathogenic. Review status: criteria provided, multiple submitters, no conflicts (2 of 4 stars). 9 submissions from 9 submitters: Pathogenic (9). Last evaluated 2026-09-01.

Conditions:
Mucopolysaccharidosis type 6 (MPS6). Also called: MPS VI; MPS 6; Maroteaux Lamy syndrome; ARSB DEFICIENCY; ARYLSULFATASE B DEFICIENCY; N-ACETYLGALACTOSAMINE-4-SULFATASE DEFICIENCY. Identifiers: Orphanet 583, MedGen C0026709, MONDO:0009661, OMIM 253200.

Allele frequency attached by ClinVar (database versions not stated): TOPMed below 0.00001; gnomAD exomes 0.00001 and 0.00002; gnomAD 0.00002.
gnomAD v4.1: 28 of 1,613,994 alleles (0.0017%); highest among the groups gnomAD compares: Non-Finnish European, 0.0023%; no homozygotes.

Submissions (9):

CeGaT Center for Human Genetics Tuebingen
Classification: Pathogenic. Last evaluated: 2026-09-01. Review status: criteria provided, single submitter. Criteria: CeGaT Center For Human Genetics Tuebingen Variant Classification Criteria Version 2. Collection method: clinical testing. Allele origin: germline. Affected: yes. Observed: 2 variant alleles.
Comment: ARSB: PVS1, PM2, PM3

Natera, Inc.
Classification: Pathogenic for Mucopolysaccharidosis type VI. Last evaluated: 2025-12-15. Review status: criteria provided, single submitter. Criteria: Natera Variant Classification Schema (03/2026). Collection method: clinical testing. Allele origin: germline.
Comment: The c.478C>T variant in ARSB is a nonsense variant predicted to introduce a stop codon at amino acid 160. This variant is expected to result in nonsense mediated decay, truncation, or a dysfunctional protein product. This variant is rare in the general population with a frequency below the threshold expected for the associated phenotype(s). This variant has been observed in one or more individuals affected with the associated recessive disease, as either homozygous or compound heterozygous with a second variant (PMID: 24373060). Given the available evidence, this variant is classified as Pathogenic.

Genomic Medicine Center of Excellence, King Faisal Specialist Hospital and Research Centre
Classification: Pathogenic for Mucopolysaccharidosis type 6. Last evaluated: 2025-09-10. Review status: criteria provided, single submitter. Criteria: ACMG Guidelines, 2015. Collection method: clinical testing. Allele origin: germline.

Fulgent Genetics
Classification: Pathogenic for Mucopolysaccharidosis type 6. Last evaluated: 2024-05-09. Review status: criteria provided, single submitter. Criteria: ACMG Guidelines, 2015. Collection method: clinical testing. Allele origin: germline.

Labcorp Genetics (formerly Invitae), Labcorp
Classification: Pathogenic for Mucopolysaccharidosis type 6. Last evaluated: 2024-04-02. Review status: criteria provided, single submitter. Criteria: Invitae Variant Classification Sherloc (09022015). Collection method: clinical testing. Allele origin: germline.
Comment: This sequence change creates a premature translational stop signal (p.Arg160*) in the ARSB gene. It is expected to result in an absent or disrupted protein product. Loss-of-function variants in ARSB are known to be pathogenic (PMID: 17458871, 22133300). This variant is present in population databases (no rsID available, gnomAD 0.002%). This premature translational stop signal has been observed in individual(s) with ARSB-related conditions (PMID: 8125475, 33163362). ClinVar contains an entry for this variant (Variation ID: 445291). Algorithms developed to predict the effect of sequence changes on RNA splicing suggest that this variant may disrupt the consensus splice site. For these reasons, this variant has been classified as Pathogenic.

Victorian Clinical Genetics Services, Murdoch Childrens Research Institute
Classification: Pathogenic for Mucopolysaccharidosis type 6. Last evaluated: 2023-07-16. Review status: criteria provided, single submitter. Criteria: ACMG Guidelines, 2015. Collection method: clinical testing. Allele origin: germline. Inheritance: Autosomal recessive inheritance. Affected: yes.
Comment: Based on the classification scheme VCGS_Germline_v1.3.4, this variant is classified as Pathogenic. Following criteria are met: 0102 - Loss of function is a known mechanism of disease in this gene and is associated with mucopolysaccharidosis type VI (Maroteaux-Lamy) (MIM#253200). (I) 0106 - This gene is associated with autosomal recessive disease. (I) 0115 - Variants in this gene are known to have variable expressivity. Age of onset, rate of disease progression, and clinical manifestations vary widely among individuals (PMID: 30118150). (I) 0201 - Variant is predicted to cause nonsense-mediated decay (NMD) and loss of protein (premature termination codon is located at least 54 nucleotides upstream of the final exon-exon junction). (SP) 0252 - This variant is homozygous. (I) 0304 - Variant is present in gnomAD <0.01 for a recessive condition (v2 & v3: 5 heterozygotes, 0 homozygotes). (SP) 0701 - Other variants predicted to result in NMD comparable to the one identified in this case have very strong previous evidence for pathogenicity (DECIPHER). (SP) 0801 - This variant has very strong previous evidence of pathogenicity in unrelated individuals. It has been reported as pathogenic in ClinVar and detected in multiple families with Maroteaux-Lamy syndrome (MPS VI). (SP) 1209 - This variant has been shown to be both maternally and paternally inherited (biallelic) (by segregation analysis in an external laboratory). (I) Legend: (SP) - Supporting pathogenic, (I) - Information, (SB) - Supporting benign

Women's Health and Genetics/Laboratory Corporation of America, LabCorp
Classification: Pathogenic for Mucopolysaccharidosis type 6. Last evaluated: 2022-04-11. Review status: criteria provided, single submitter. Criteria: LabCorp Variant Classification Summary - May 2015. Collection method: clinical testing. Allele origin: germline.
Comment: Variant summary: ARSB c.478C>T (p.Arg160X) results in a premature termination codon, predicted to cause a truncation of the encoded protein or absence of the protein due to nonsense mediated decay, which are commonly known mechanisms for disease. Truncations downstream of this position have been classified as pathogenic by our laboratory. The variant allele was found at a frequency of 8e-06 in 251472 control chromosomes. c.478C>T has been reported in the literature in individuals affected with Mucopolysaccharidosis Type VI (Maroteaux-Lamy Syndrome) (example, Garrido_2007, Jurecka_2012). Three clinical diagnostic laboratories have submitted clinical-significance assessments for this variant to ClinVar after 2014 without evidence for independent evaluation. All laboratories classified the variant as pathogenic. Based on the evidence outlined above, the variant was classified as pathogenic.

Laboratory of Diagnosis and Therapy of Lysosomal Disorders, University of Padova
Classification: Pathogenic for Mucopolysaccharidosis type 6. Last evaluated: 2018-01-01. Review status: criteria provided, single submitter. Criteria: ACMG Guidelines, 2015. Collection method: curation. Allele origin: germline. Affected: yes.
Comment: Nonsense variant (PVS1); In vitro functional studies supportive of a damaging effect on the gene product (low to no ARSB activity in homozygotes; PS3); Very low frequency in ExAC (PM2)

Medical Molecular Genetics Department, National Research Center
Classification: Pathogenic for Mucopolysaccharidosis type 6. Last evaluated: 2015-12-01. Review status: criteria provided, single submitter. Criteria: ACMG Guidelines, 2015. Collection method: research. Allele origin: germline. Affected: yes. Observed: 4 variant alleles.

Literature cited by the submitters: PubMed 24373060 (cited by 3 submitters); PubMed 17458871 (cited by 3 submitters); PubMed 22133300 (cited by Labcorp Genetics (formerly Invitae), Labcorp and Women's Health and Genetics/Laboratory Corporation of America, LabCorp); PubMed 8125475 (cited by 3 submitters); PubMed 33163362 (cited by Labcorp Genetics (formerly Invitae), Labcorp); PubMed 30118150 (cited by Victorian Clinical Genetics Services, Murdoch Childrens Research Institute and Laboratory of Diagnosis and Therapy of Lysosomal Disorders, University of Padova); PubMed 17643332 (cited by Women's Health and Genetics/Laboratory Corporation of America, LabCorp and Laboratory of Diagnosis and Therapy of Lysosomal Disorders, University of Padova); PubMed 24221504 (cited by Women's Health and Genetics/Laboratory Corporation of America, LabCorp); PubMed 22441840 (cited by Laboratory of Diagnosis and Therapy of Lysosomal Disorders, University of Padova); PubMed 28884960 (cited by Laboratory of Diagnosis and Therapy of Lysosomal Disorders, University of Padova).